The following continues an entry in ClinVar:

NM_003119.4(SPG7):c.1529C>T (p.Ala510Val)

Gene: SPG7. ClinVar aggregate classification (germline): Pathogenic/Likely pathogenic. Pathogenic (55); Likely pathogenic (11).

Submissions 35 to 58 of 101:

MGZ Medical Genetics Center
Classification: Pathogenic for Hereditary spastic paraplegia 7. Last evaluated: 2022-07-27. Review status: criteria provided, single submitter. Criteria: ACMG Guidelines, 2015. Collection method: clinical testing. Allele origin: germline. Affected: yes. Observed: 6 variant alleles.
Comment: ACMG criteria applied: PS4, PM3_STR, PS3_SUP, PP1, PP3

Mendelics
Classification: Pathogenic for Hereditary spastic paraplegia 7. Last evaluated: 2022-05-04. Review status: criteria provided, single submitter. Criteria: Mendelics Assertion Criteria 2019. Collection method: clinical testing. Allele origin: germline.

Dasa
Classification: Pathogenic for Hereditary spastic paraplegia 7. Last evaluated: 2022-01-05. Review status: criteria provided, single submitter. Criteria: ACMG Guidelines, 2015. Collection method: clinical testing. Allele origin: germline. Affected: yes. Observed: 3 variant alleles.
Comment: The c.1529C>T;p.(Ala510Val) missense variant has been observed in affected individual(s) and ClinVar contains an entry for this variant (ClinVar ID 42016; OMIM 602783.0012; PMID 18799786; 22571692; 29246844; 30537300; 26626314; 25681447; 23065789; 25681447) - PS4. Well-established in vitro or in vivo functional studies support a damaging effect on the gene or gene product (PMID: 20186691) - PS3_moderate. The p.(Ala510Val) was detected in trans with a pathogenic variant (PMID 25681447) - PM3. The variant co-segregated with disease in multiple affected family members (PMID:26626314; 23065789; 26506339) - PP1_moderate. Multiple lines of computational evidence support a deleterious effect on the gene or gene product - PP3. and allele frequency is greater than expected for disorder -BS1. In summary, the currently available evidence indicates that the variant is pathogenic.

Genome Diagnostics Laboratory, The Hospital for Sick Children
Classification: Pathogenic for Hereditary spastic paraplegia. Last evaluated: 2022-01-04. Review status: criteria provided, single submitter. Criteria: ACMG Guidelines, 2015. Collection method: clinical testing. Allele origin: germline. Affected: yes.

PROSPAX: an integrated multimodal progression  chart in spastic ataxias, Center for Neurology; Hertie-Institute for Clinical Brain Research
Classification: Pathogenic for Hereditary spastic paraplegia 7. Last evaluated: 2022-01-01. Review status: criteria provided, single submitter. Criteria: ACMG Guidelines, 2015. Collection method: research. Allele origin: germline. Affected: yes. Observed: 62 variant alleles, 48 compound heterozygotes, 14 homozygotes.

Institute of Human Genetics Munich, TUM University Hospital
Classification: Pathogenic for Hereditary spastic paraplegia 7. Last evaluated: 2021-11-08. Review status: criteria provided, single submitter. Criteria: Classification criteria August 2017. Collection method: clinical testing. Allele origin: germline. Inheritance: Autosomal recessive inheritance. Affected: yes. Observed: 1 variant allele.

Baylor Genetics
Classification: Pathogenic for Hereditary spastic paraplegia 7. Last evaluated: 2021-10-20. Review status: criteria provided, single submitter. Criteria: ACMG Guidelines, 2015. Collection method: clinical testing. Allele origin: unknown.

CENTOGENE GmbH and LLC - Guiding Precision Medicine
Classification: Pathogenic for Hereditary spastic paraplegia 7. Last evaluated: 2021-09-10. Review status: criteria provided, single submitter. Criteria: ACMG Guidelines, 2015. Collection method: clinical testing. Allele origin: germline. Affected: yes.

AURAGEN, Plan France Médecine Génomique
Classification: Pathogenic for Hereditary spastic paraplegia. Last evaluated: 2021-05-03. Review status: criteria provided, single submitter. Criteria: PFMG2025 (Lancet Reg Health Eur. 2025). Collection method: clinical testing. Allele origin: germline. Affected: yes.

GeneDx
Classification: Pathogenic. Last evaluated: 2021-05-03. Review status: criteria provided, single submitter. Criteria: GeneDx Variant Classification Process June 2021. Collection method: clinical testing. Allele origin: germline. Affected: yes.
Comment: Yeast expression studies found that the A510V variant perturbs the proteolytic function of paraplegin (Bonn et al., 2010); This variant is associated with the following publications: (PMID: 20186691, 31316545, 25681447, 22571692, 21623769, 11222789, 27081526, 22964162, 23269439, 20981092, 22995991, 18799786, 16534102, 31433872, 31692161, 32040484, 32161564, 31980526, 32581362, 33059505, 34426522, 32893728, 33144682, 33300680, 32447552, 33157434, 33084218, 33841295, 29867446, 33726816)

New York Genome Center
Classification: Pathogenic for Hereditary spastic paraplegia 7. Last evaluated: 2021-03-15. Review status: criteria provided, single submitter. Criteria: NYGC Assertion Criteria 2020. Collection method: clinical testing. Allele origin: inherited. Inheritance: Autosomal recessive inheritance. Observed: 1 heterozygote. Study: CSER-NYCKidSeq.

Molecular Medicine for Neurodegenerative and Neuromuscular Diseases Unit, IRCCS Fondazione Stella Maris
Classification: Pathogenic for Hereditary spastic paraplegia 7. Last evaluated: 2021-01-04. Review status: criteria provided, single submitter. Criteria: ACMG Guidelines, 2015. Collection method: research. Allele origin: inherited. Affected: yes.

Institute of Medical Genetics and Applied Genomics, University Hospital Tübingen
Classification: Pathogenic. Last evaluated: 2020-10-23. Review status: criteria provided, single submitter. Criteria: ACMG Guidelines, 2015. Collection method: clinical testing. Allele origin: germline. Inheritance: Autosomal unknown. Affected: yes.

Genetics and Molecular Pathology, SA Pathology
Classification: Pathogenic for Hereditary spastic paraplegia 7. Last evaluated: 2020-06-29. Review status: criteria provided, single submitter. Criteria: ACMG Guidelines, 2015. Collection method: clinical testing. Allele origin: germline. Inheritance: Autosomal recessive inheritance. Affected: yes.

Centre for Mendelian Genomics, University Medical Centre Ljubljana
Classification: Likely pathogenic for Hereditary spastic paraplegia 7. Last evaluated: 2019-12-03. Review status: criteria provided, single submitter. Criteria: ACMG Guidelines, 2015. Collection method: clinical testing. Allele origin: unknown. Affected: yes.
Comment: This variant was classified as: Likely pathogenic. The following ACMG criteria were applied in classifying this variant: PS3,PM3,PP2,PP3,PP5.

Cambridge Genomics Laboratory, East Genomic Laboratory Hub, NHS Genomic Medicine Service
Classification: Pathogenic for SPG7-related neurologic disorder. Last evaluated: 2019-09-19. Review status: criteria provided, single submitter. Criteria: ACGS Best Practice Guidelines for Variant Classification in Rare Disease 2020. Collection method: clinical testing. Allele origin: germline. Affected: yes. Observed: 2 variant alleles.

Raymond Lab, University of Cambridge
Classification: Likely pathogenic for Intellectual disability. Last evaluated: 2019-02-13. Review status: criteria provided, single submitter. Criteria: ACMG Guidelines, 2015. Collection method: research. Allele origin: unknown. Affected: yes. Observed: 2 variant alleles.

Undiagnosed Diseases Network, NIH
Classification: Pathogenic for Hereditary spastic paraplegia 7. Last evaluated: 2018-10-05. Review status: criteria provided, single submitter. Criteria: ACMG Guidelines, 2015. Collection method: clinical testing. Allele origin: unknown, maternal. Inheritance: Autosomal recessive inheritance. Affected: yes. Observed: 1 compound heterozygote, 1 homozygote.

SIB Swiss Institute of Bioinformatics
Classification: Likely pathogenic for Hereditary spastic paraplegia 7. Last evaluated: 2018-05-31. Review status: criteria provided, single submitter. Criteria: ACMG Guidelines, 2015. Collection method: curation. Allele origin: unknown.
Comment: This variant is interpreted as a Likely Pathogenic, for Spastic paraplegia 7, autosomal recessive, in Autosomal Recessive manner. The following ACMG Tag(s) were applied: PP3 => Multiple lines of computational evidence support a deleterious effect on the gene or gene product. PS3-Moderate => Functional assay shows a deleterious effect. (PMID:20186691). PM3 => For recessive disorders, detected in trans with a pathogenic variant (PMID:25681447). PS4-Moderate => Recurrent mutation (PMID:22571692,26626314,26506339,25681447). PP1-Moderate => PP1 upgraded in strength to Moderate (PMID:26626314,23065789,26506339).

Center of Genomic medicine, Geneva, University Hospital of Geneva
Classification: Pathogenic for Hereditary spastic paraplegia 7. Last evaluated: 2017-08-07. Review status: criteria provided, single submitter. Criteria: ACMG Guidelines, 2015. Collection method: clinical testing. Allele origin: paternal. Affected: yes.

Clinical Genetics DNA and cytogenetics Diagnostics Lab, Erasmus MC, Erasmus Medical Center
Classification: Pathogenic for Hereditary spastic paraplegia 7. Last evaluated: 2017-05-31. Review status: criteria provided, single submitter. Criteria: ACGS Guidelines, 2013. Collection method: clinical testing. Allele origin: germline. Affected: yes. Study: VKGL Data-share Consensus.

Fulgent Genetics
Classification: Likely pathogenic for Hereditary spastic paraplegia 7. Last evaluated: 2017-05-18. Review status: criteria provided, single submitter. Criteria: ACMG Guidelines, 2015. Collection method: clinical testing. Allele origin: unknown.

Unit for Genetic & Epidemiological Research on Neurological Disorders, Instituto de Investigação e Inovação em Saúde
Classification: Pathogenic for Hereditary spastic paraplegia. Last evaluated: 2017-03-07. Review status: criteria provided, single submitter. Criteria: Morais et al. (Eur J Hum Genet. 2017). Collection method: research. Allele origin: inherited. Affected: yes.

Centre for Mendelian Genomics, University Medical Centre Ljubljana
Classification: Pathogenic for Cerebral cortical atrophy; Dysarthria; Gait ataxia; Spastic paraparesis. Last evaluated: 2017-01-01. Review status: criteria provided, single submitter. Criteria: ACMG Guidelines, 2015. Collection method: clinical testing. Allele origin: unknown. Affected: yes.